The following is an entry in ClinVar:

ClinVar aggregate classification (germline): Uncertain significance (1 of 4 stars; one submission).

Conditions:
Charcot-Marie-Tooth disease axonal type 2Z. Also called: CHARCOT-MARIE-TOOTH DISEASE, AXONAL, AUTOSOMAL DOMINANT, TYPE 2Z; CHARCOT-MARIE-TOOTH NEUROPATHY, TYPE 2Z. Identifiers: Orphanet 466768, MedGen C5569025, MONDO:0014736, OMIM 616688.

Submission:

Labcorp Genetics (formerly Invitae), Labcorp
Classification: Uncertain significance for Charcot-Marie-Tooth disease axonal type 2Z. Last evaluated: 2024-03-24. Review status: criteria provided, single submitter. Criteria: Invitae Variant Classification Sherloc (09022015). Collection method: clinical testing. Allele origin: germline.
Comment: This sequence change replaces arginine, which is basic and polar, with cysteine, which is neutral and slightly polar, at codon 179 of the MORC2 protein (p.Arg179Cys). The frequency data for this variant in the population databases is considered unreliable, as metrics indicate poor data quality at this position in the gnomAD database. This variant has not been reported in the literature in individuals affected with MORC2-related conditions. Advanced modeling of protein sequence and biophysical properties (such as structural, functional, and spatial information, amino acid conservation, physicochemical variation, residue mobility, and thermodynamic stability) has been performed at Invitae for this missense variant, however the output from this modeling did not meet the statistical confidence thresholds required to predict the impact of this variant on MORC2 protein function. In summary, the available evidence is currently insufficient to determine the role of this variant in disease. Therefore, it has been classified as a Variant of Uncertain Significance.

NM_001303256.3(MORC2):c.535C>T (p.Arg179Cys)

Gene: MORC2 (MORC family CW-type zinc finger 2; minus strand). Cytogenetic location: 22q12.2.
Variant type: single nucleotide variant.
Coding change: c.535C>T on transcript NM_001303256.3 (MANE Select); coding-DNA position 535, C replaced by T.
Protein change: p.Arg179Cys; replaces arginine 179 with cysteine.
Molecular consequence: missense variant.
Genome position (GRCh38, 1-based): chr22:30,942,163, G>A on the plus strand (C>T on the coding strand, the complement: MORC2 is on the minus strand). VCF-style: chr22-30942163-G-A. GRCh37 (hg19) VCF-style: chr22-31338150-G-A.
Other names: c.535C>T, p.Arg179Cys (NM_001303257.2); c.349C>T, p.Arg117Cys (NM_014941.3); short protein forms R117C, R179C.
Identifiers: ClinVar variation 3664575 (VCV003664575.2).
Genomic context (GRCh38, chr22:30,942,163, plus strand): 5'-CCTACTTACCGCTGTCCCCAGGAATCTTCATAAACTGGGTCATCACTTCCTCCTCAGTGC[G>A]GAATGGAGAGTACTTATAGATGAGTTCTGTCTCAATGGCAAATTTCTCTACATTGTCTGT-3'
Protein context (NP_001290185.1, residues 169-189): TELIYKYSPF[Arg179Cys]TEEEVMTQFM